The following is an entry in ClinVar:

ClinVar aggregate classification (germline): Uncertain significance. Review status: criteria provided, multiple submitters, no conflicts (2 of 4 stars). 2 submissions from 2 submitters: Uncertain significance (2). Last evaluated 2024-03-07.

Conditions:
Arrhythmogenic right ventricular dysplasia 10. Also called: ARRHYTHMOGENIC RIGHT VENTRICULAR DYSPLASIA, FAMILIAL, 10; Arrhythmogenic right ventricular dysplasia/cardiomyopathy, type 10; Arrhythmogenic Right Ventricular Dysplasia/Cardiomyopathy10. Identifiers: MedGen C1857777, MONDO:0012434, OMIM 610193.
Cardiomyopathy (CMYO). Also called: Cardiomyopathies. Identifiers: Orphanet 167848, MedGen C0878544, MONDO:0004994, HP:0001638. Inheritance: Various modes of inheritance.

Submissions (2):

Labcorp Genetics (formerly Invitae), Labcorp
Classification: Uncertain significance for Arrhythmogenic right ventricular dysplasia 10. Last evaluated: 2024-03-07. Review status: criteria provided, single submitter. Criteria: Invitae Variant Classification Sherloc (09022015). Collection method: clinical testing. Allele origin: germline.
Comment: This sequence change replaces glutamine, which is neutral and polar, with arginine, which is basic and polar, at codon 959 of the DSG2 protein (p.Gln959Arg). This variant is not present in population databases (gnomAD no frequency). This variant has not been reported in the literature in individuals affected with DSG2-related conditions. ClinVar contains an entry for this variant (Variation ID: 925961). Advanced modeling of protein sequence and biophysical properties (such as structural, functional, and spatial information, amino acid conservation, physicochemical variation, residue mobility, and thermodynamic stability) performed at Invitae indicates that this missense variant is not expected to disrupt DSG2 protein function with a negative predictive value of 95%. In summary, the available evidence is currently insufficient to determine the role of this variant in disease. Therefore, it has been classified as a Variant of Uncertain Significance.

Color Diagnostics, LLC DBA Color Health
Classification: Uncertain significance for Cardiomyopathy. Last evaluated: 2023-12-05. Review status: criteria provided, single submitter. Criteria: ACMG Guidelines, 2015. Collection method: clinical testing. Allele origin: germline.
Comment: Variant of Uncertain Significance due to insufficient evidence: This missense variant replaces glutamine with arginine at codon 959 of the DSG2 protein. Computational prediction tools and conservation analyses suggest that this variant may not impact the protein function. Computational splicing tools suggest that this variant may not impact RNA splicing. To our knowledge, functional assays have not been performed for this variant nor has this variant been reported in individuals affected with cardiovascular disorders in the literature. This variant has not been identified in the general population by the Genome Aggregation Database (gnomAD). Available evidence is insufficient to determine the role of this variant in disease conclusively.

NM_001943.5(DSG2):c.2876A>G (p.Gln959Arg)

Genes: DSG2 (desmoglein 2; plus strand), DSG2-AS1 (DSG2 antisense RNA 1; minus strand). Cytogenetic location: 18q12.1.
Variant type: single nucleotide variant.
Coding change: c.2876A>G on transcript NM_001943.5 (MANE Select); coding-DNA position 2876, A replaced by G.
Protein change: p.Gln959Arg; replaces glutamine 959 with arginine.
Molecular consequence: missense variant.
Genome position (GRCh38, 1-based): chr18:31,546,262, A>G. VCF-style: chr18-31546262-A-G. GRCh37 (hg19) VCF-style: chr18-29126225-A-G.
Other names: short protein forms Q959R.
Identifiers: ClinVar variation 925961 (VCV000925961.7), dbSNP rs2073308326, ClinGen allele CA402147208.